The following is an entry in ClinVar:

ClinVar aggregate classification (germline): Likely benign (1 of 4 stars; one submission).

Conditions:
EYS-related disorder. Also called: EYS-related condition.

gnomAD v4.1: 49 of 702,276 alleles (0.007%); highest among the groups gnomAD compares: Non-Finnish European, 0.012%; no homozygotes.

Submission:

PreventionGenetics, part of Exact Sciences
Classification: Likely benign for EYS-related condition. Last evaluated: 2025-03-31. Review status: criteria provided, single submitter. Criteria: ACMG Guidelines, 2015. Collection method: clinical testing. Allele origin: germline.
Comment: This variant is classified as likely benign based on ACMG/AMP sequence variant interpretation guidelines (Richards et al. 2015 PMID: 25741868, with internal and published modifications).

NM_001142800.2(EYS):c.8072-15275T>C

Gene: EYS (EGF-like photoreceptor maintenance factor; minus strand). Cytogenetic location: 6q12.
Variant type: single nucleotide variant.
Coding change: c.8072-15275T>C on transcript NM_001142800.2 (MANE Select); 15275 bases into the intron before coding-DNA position 8072, T replaced by C.
Molecular consequence: intron variant. On other transcripts: synonymous variant (1).
Genome position (GRCh38, 1-based): chr6:63,741,955, A>G on the plus strand (T>C on the coding strand, the complement: EYS is on the minus strand). VCF-style: chr6-63741955-A-G. GRCh37 (hg19) VCF-style: chr6-64451848-A-G.
Other names: c.8092T>C, p.Leu2698= (NM_001292009.2).
Identifiers: ClinVar variation 4988025 (VCV004988025.1).